The following is an entry in ClinVar:

NM_003128.3(SPTBN1):c.6877-3C>A

Genes: SPTBN1 (spectrin beta, non-erythrocytic 1; plus strand), SPTBN1-AS2 (SPTBN1 antisense RNA 2; minus strand). Cytogenetic location: 2p16.2.
Variant type: single nucleotide variant.
Coding change: c.6877-3C>A on transcript NM_003128.3 (MANE Select); 3 bases into the intron before coding-DNA position 6877, C replaced by A.
Molecular consequence: intron variant.
Genome position (GRCh38, 1-based): chr2:54,668,348, C>A. VCF-style: chr2-54668348-C-A. GRCh37 (hg19) VCF-style: chr2-54895485-C-A.
Identifiers: ClinVar variation 2264750 (VCV002264750.2), dbSNP rs2549587184, ClinGen allele CA2580067311.

ClinVar aggregate classification (germline): Uncertain significance (1 of 4 stars; one submission).

Conditions:
Inborn genetic diseases. Identifiers: MedGen C0950123, MeSH D030342.

gnomAD v4.1: 1 of 1,613,302 alleles (0.000062%); highest among the groups gnomAD compares: Non-Finnish European, 0.000085%; no homozygotes.

Submission:

Ambry Genetics
Classification: Uncertain significance for Inborn genetic diseases. Last evaluated: 2022-01-10. Review status: criteria provided, single submitter. Criteria: Ambry Variant Classification Scheme 2023. Collection method: clinical testing. Allele origin: germline.
Comment: The c.6877-3C>A intronic alteration consists of a C to A substitution 3 nucleotides before exon 36 (coding exon 35) of the SPTBN1 gene. Based on insufficient or conflicting evidence, the clinical significance of this alteration remains unclear.